The following is an entry in ClinVar:

NM_001009944.3(PKD1):c.5722C>T (p.Gln1908Ter)

Gene: PKD1 (polycystin 1, transient receptor potential channel interacting; minus strand). Cytogenetic location: 16p13.3.
Variant type: single nucleotide variant.
Coding change: c.5722C>T on transcript NM_001009944.3 (MANE Select); coding-DNA position 5722, C replaced by T.
Protein change: p.Gln1908Ter; replaces glutamine 1908 with a stop codon.
Molecular consequence: nonsense.
Genome position (GRCh38, 1-based): chr16:2,109,445, G>A on the plus strand (C>T on the coding strand, the complement: PKD1 is on the minus strand). VCF-style: chr16-2109445-G-A. GRCh37 (hg19) VCF-style: chr16-2159446-G-A.
Other names: c.5722C>T, p.Gln1908Ter (NM_000296.4); c.5722C>T (NM_001009944.2); short protein forms Q1908*.
Identifiers: ClinVar variation 1526112 (VCV001526112.3), dbSNP rs2151791889, ClinGen allele CA394375768.
Genomic context (GRCh38, chr16:2,109,445, plus strand): 5'-GGTTGGCCCCGCCGACCTGCAGGCGGAAGGTGACAGCTGAGCCGGCAGCCAGCAGGATCT[G>A]AAAATGGACCAGCTGCCCGGGCGCCACCACCTTGCTGCTGGCCCACAGCACCAGGCCCAC-3'

ClinVar aggregate classification (germline): Pathogenic. Review status: criteria provided, multiple submitters, no conflicts (2 of 4 stars). 3 submissions from 3 submitters: Pathogenic (3). Last evaluated 2026-07-13.

Conditions:
Polycystic kidney disease, adult type (PKD1). Also called: POLYCYSTIC KIDNEY DISEASE 1 WITH OR WITHOUT POLYCYSTIC LIVER DISEASE; Polycystic Kidney Disease 1, Autosomal Dominant; Polycystic kidney disease 1; Polycystic kidney disease 1, severe; Polycystic Kidney, Autosomal Dominant; POLYCYSTIC KIDNEY DISEASE, ADULT, TYPE I. Identifiers: MedGen C3149841, MONDO:0008263, OMIM 173900.

Submissions (3):

Victorian Clinical Genetics Services, Murdoch Childrens Research Institute
Classification: Pathogenic for Polycystic kidney disease, adult type. Last evaluated: 2026-07-13. Review status: criteria provided, single submitter. Criteria: ACMG Guidelines, 2015. Collection method: clinical testing. Allele origin: germline. Affected: yes.
Comment: This variant is classified as Pathogenic. Evidence in support of pathogenic classification: Variant is predicted to cause nonsense-mediated decay (NMD) and loss of protein (premature termination codon is located at least 54 nucleotides upstream of the final exon-exon junction); Variant is absent from gnomAD (v2, v3 and v4); This variant has limited previous evidence of pathogenicity in unrelated individual(s). This variant has been classified pathogenic by clinical laboratories in ClinVar; Other NMD-predicted variants comparable to the one identified in this case have very strong previous evidence for pathogenicity (DECIPHER). Additional information: This variant is heterozygous; This gene is associated with autosomal dominant disease. Polycystic kidney disease 1 (MIM#173900) is predominantly caused by monoallelic variants, with rare reports of biallelic variants causing disease (OMIM); Loss of function is a known mechanism of disease in this gene and is associated with polycystic kidney disease 1 (MIM#173900); Inheritance information for this variant is not currently available in this individual.

GeneDx
Classification: Pathogenic. Last evaluated: 2023-05-17. Review status: criteria provided, single submitter. Criteria: GeneDx Variant Classification Process June 2021. Collection method: clinical testing. Allele origin: germline. Affected: yes.
Comment: Nonsense variant predicted to result in protein truncation or nonsense mediated decay in a gene for which loss of function is a known mechanism of disease; Not observed at significant frequency in large population cohorts (gnomAD); This variant is associated with the following publications: (PMID: 27059743, 22185115)

3billion
Classification: Pathogenic for Polycystic kidney disease, adult type. Last evaluated: 2022-03-22. Review status: criteria provided, single submitter. Criteria: ACMG Guidelines, 2015. Collection method: clinical testing. Allele origin: germline. Affected: yes. Observed: 1 heterozygote.
Comment: Stop-gained (nonsense): predicted to result in a loss or disruption of normal protein function through nonsense-mediated decay (NMD) or protein truncation. Multiple pathogenic variants are reported downstream of the variant.It is not observed in the gnomAD v2.1.1 dataset. This variant has been reported to be associated with PKD1 related disorder (PMID:22185115). Therefore, this variant is classified as pathogenic according to the recommendation of ACMG/AMP guideline.

Literature cited by the submitters: PubMed 22185115 (cited by 3billion).